The following is an entry in ClinVar:

ClinVar aggregate classification (germline): Pathogenic (1 of 4 stars; one submission).

Conditions:
Neurofibromatosis, type 1 (NF1). Also called: VON RECKLINGHAUSEN DISEASE; NEUROFIBROMATOSIS, TYPE I, SOMATIC; Peripheral type neurofibromatosis; Neurofibromatosis, type I. Identifiers: Orphanet 636, MedGen C0027831, MONDO:0018975, OMIM 162200. Disease mechanism: loss of function.

Submission:

Labcorp Genetics (formerly Invitae), Labcorp
Classification: Pathogenic for Neurofibromatosis, type 1. Last evaluated: 2024-10-01. Review status: criteria provided, single submitter. Criteria: Invitae Variant Classification Sherloc (09022015). Collection method: clinical testing. Allele origin: germline.
Comment: This sequence change creates a premature translational stop signal (p.Leu1679*) in the NF1 gene. It is expected to result in an absent or disrupted protein product. Loss-of-function variants in NF1 are known to be pathogenic (PMID: 10712197, 23913538). This variant is not present in population databases (gnomAD no frequency). This variant has not been reported in the literature in individuals affected with NF1-related conditions. For these reasons, this variant has been classified as Pathogenic.

Literature cited by the submitters: PubMed 10712197; PubMed 23913538.

NM_001042492.3(NF1):c.5090_5097dup (p.Leu1700Ter)

Gene: NF1 (neurofibromin 1; plus strand). Cytogenetic location: 17q11.2.
Variant type: Duplication.
Coding change: c.5090_5097dup on transcript NM_001042492.3 (MANE Select); coding-DNA positions 5090 to 5097, 8 bases duplicated (TGACTGGC; older notation c.5090_5097dupTGACTGGC).
Protein change: p.Leu1700Ter; replaces leucine 1700 with a stop codon.
Molecular consequence: nonsense. On other transcripts: frameshift variant (1).
Genome position (GRCh38, 1-based): chr17:31,326,074-31,326,081, TGACTGGC duplicated; duplicating any 8 consecutive bases within chr17:31,326,072-31,326,081 gives the same sequence; the c. name uses the placement nearest the transcript's 3' end. VCF-style (leftmost placement, unchanged base first): chr17-31326071-T-TGCTGACTG. GRCh37 (hg19) VCF-style: chr17-29653089-T-TGCTGACTG.
Other names: c.5027_5034dup, p.Leu1679Terfs (NM_000267.4); short protein forms L1679*, L1700*.
Identifiers: ClinVar variation 3721982 (VCV003721982.2).
Genomic context (GRCh38, chr17:31,326,071, plus strand): 5'-CAGTCTATATCTATAACTGTAACTCCTGGGTCAGGGAGTACACCAAGTATCATGAGCGGC[T>TGCTGACTG]GCTGACTGGCCTCAAAGGTAGCAAAAGGCTTGTTTTCATAGACTGTCCTGGGAAACTGGC-3'